The following is an entry in ClinVar:

NM_001953.5(TYMP):c.1295G>A (p.Arg432His)

Genes: SCO2 (synthesis of cytochrome C oxidase 2; minus strand), TYMP (thymidine phosphorylase; minus strand), LOC130067862 (ATAC-STARR-seq lymphoblastoid silent region 13986; plus strand). Cytogenetic location: 22q13.33.
Variant type: single nucleotide variant.
Coding change: c.1295G>A on transcript NM_001953.5 (MANE Select); coding-DNA position 1295, G replaced by A.
Protein change: p.Arg432His; replaces arginine 432 with histidine.
Molecular consequence: missense variant. On other transcripts: 5 prime UTR variant (1), intron variant (1).
Genome position (GRCh38, 1-based): chr22:50,526,006, C>T on the plus strand (G>A on the coding strand, the complement: TYMP is on the minus strand). VCF-style: chr22-50526006-C-T. GRCh37 (hg19) VCF-style: chr22-50964435-C-T.
Other names: c.1295G>A (NM_001953.3); c.1295G>A, p.Arg432His (NM_001113755.3, NM_001113756.3, NM_001257988.1); c.1310G>A, p.Arg437His (NM_001257989.1); c.-19G>A (NM_001169110.1); c.-14+240G>A (NM_001169109.2); short protein forms R432H, R437H.
Identifiers: ClinVar variation 713848 (VCV000713848.28), dbSNP rs551975117, ClinGen allele CA10321439.

ClinVar aggregate classification (germline): Conflicting classifications of pathogenicity. Review status: criteria provided, conflicting classifications (1 of 4 stars). 5 submissions from 5 submitters: Uncertain significance (2); Benign (1); Likely benign (1). 1 of the submissions does not count toward it. Last evaluated 2026-04-01.

Conditions:
Inborn genetic diseases. Identifiers: MedGen C0950123, MeSH D030342.
Mitochondrial neurogastrointestinal encephalomyopathy. Also called: MNGIE syndrome; Thymidine phosphorylase deficiency; Mitochondrial neurogastrointestinal encephalopathy syndrome. Identifiers: Orphanet 298, MedGen C0872218, MONDO:0017575.

Allele frequency attached by ClinVar (database versions not stated): gnomAD exomes 0.00059 and 0.00026; 1000 Genomes Project 30x 0.00031; TOPMed 0.00007; 1000 Genomes Project 0.00040; gnomAD 0.00056; ExAC 0.00091.

Submissions (5):

CeGaT Center for Human Genetics Tuebingen
Classification: Likely benign. Last evaluated: 2026-04-01. Review status: criteria provided, single submitter. Criteria: CeGaT Center For Human Genetics Tuebingen Variant Classification Criteria Version 2. Collection method: clinical testing. Allele origin: germline. Affected: yes. Observed: 2 variant alleles.
Comment: TYMP: BS2

GeneDx
Classification: Uncertain significance. Last evaluated: 2025-11-19. Review status: criteria provided, single submitter. Criteria: GeneDx Variant Classification Process June 2021. Collection method: clinical testing. Allele origin: germline.
Comment: In silico analysis suggests that this missense variant does not alter protein structure/function; Has not been previously published as pathogenic or benign to our knowledge

Labcorp Genetics (formerly Invitae), Labcorp
Classification: Benign. Last evaluated: 2025-09-28. Review status: criteria provided, single submitter. Criteria: Invitae Variant Classification Sherloc (09022015). Collection method: clinical testing. Allele origin: germline.

Ambry Genetics
Classification: Uncertain significance for Inborn genetic diseases. Last evaluated: 2023-11-27. Review status: criteria provided, single submitter. Criteria: Ambry Variant Classification Scheme 2023. Collection method: clinical testing. Allele origin: germline.

Natera, Inc.
Classification: Uncertain significance for Mitochondrial neurogastrointestinal encephalomyopathy. Last evaluated: 2020-03-17. Review status: no assertion criteria provided. Collection method: clinical testing. Allele origin: germline. Not counted in ClinVar's aggregate classification.